The following is an entry in ClinVar:

NM_015100.4(POGZ):c.2241C>T (p.Val747=)

Gene: POGZ (pogo transposable element derived with ZNF domain; minus strand). Cytogenetic location: 1q21.3.
Variant type: single nucleotide variant.
Coding change: c.2241C>T on transcript NM_015100.4 (MANE Select); coding-DNA position 2241, C replaced by T.
Protein change: p.Val747=; no amino-acid change (valine 747 retained).
Molecular consequence: synonymous variant.
Genome position (GRCh38, 1-based): chr1:151,408,234, G>A on the plus strand (C>T on the coding strand, the complement: POGZ is on the minus strand). VCF-style: chr1-151408234-G-A. GRCh37 (hg19) VCF-style: chr1-151380710-G-A.
Other names: c.2214C>T, p.Val738= (NM_001194937.2); c.2055C>T, p.Val685= (NM_001194938.2); c.1956C>T, p.Val652= (NM_145796.4); c.2082C>T, p.Val694= (NM_207171.2); c.2241C>T (NM_015100.3).
Identifiers: ClinVar variation 1675371 (VCV001675371.34), dbSNP rs371817876, ClinGen allele CA1091218.

ClinVar aggregate classification (germline): Likely benign. Review status: criteria provided, multiple submitters, no conflicts (2 of 4 stars). 2 submissions from 2 submitters: Likely benign (2). Last evaluated 2025-02-19.

Conditions:
POGZ-related disorder. Also called: POGZ-related condition.

Allele frequency attached by ClinVar (database versions not stated): TOPMed 0.00001; gnomAD 0.00003; gnomAD exomes 0.00003 and 0.00008; ESP Exome Variant Server 0.00008; ExAC 0.00013.
gnomAD v4.1: 51 of 1,610,656 alleles (0.0032%); highest among the groups gnomAD compares: Non-Finnish European, 0.004%; no homozygotes.

Submissions (2):

PreventionGenetics, part of Exact Sciences
Classification: Likely benign for POGZ-related condition. Last evaluated: 2025-02-19. Review status: criteria provided, single submitter. Criteria: ACMG Guidelines, 2015. Collection method: clinical testing. Allele origin: germline.
Comment: This variant is classified as likely benign based on ACMG/AMP sequence variant interpretation guidelines (Richards et al. 2015 PMID: 25741868, with internal and published modifications).

CeGaT Center for Human Genetics Tuebingen
Classification: Likely benign. Last evaluated: 2022-03-01. Review status: criteria provided, single submitter. Criteria: CeGaT Center For Human Genetics Tuebingen Variant Classification Criteria Version 2. Collection method: clinical testing. Allele origin: germline. Affected: yes. Observed: 1 variant allele.
Comment: POGZ: BP4, BP7